The following is an entry in ClinVar:

NM_002878.4(RAD51D):c.37A>G (p.Thr13Ala)

Genes: RAD51D (RAD51 paralog D; minus strand), RAD51L3-RFFL (RAD51L3-RFFL readthrough; minus strand). Cytogenetic location: 17q12.
Variant type: single nucleotide variant.
Coding change: c.37A>G on transcript NM_002878.4 (MANE Select); coding-DNA position 37, A replaced by G.
Protein change: p.Thr13Ala; replaces threonine 13 with alanine.
Molecular consequence: missense variant. On other transcripts: non-coding transcript variant (2).
Genome position (GRCh38, 1-based): chr17:35,119,577, T>C on the plus strand (A>G on the coding strand, the complement: RAD51D is on the minus strand). VCF-style: chr17-35119577-T-C. GRCh37 (hg19) VCF-style: chr17-33446596-T-C.
Other names: c.37A>G, p.Thr13Ala (NM_001142571.2, NM_133629.3); short protein forms T13A.
Identifiers: ClinVar variation 1735032 (VCV001735032.2), dbSNP rs2142480616, ClinGen allele CA399092487.
Genomic context (GRCh38, chr17:35,119,577, plus strand): 5'-CGCACACCCGGTCACCTGTCTTGATCCTGTGGCTCCTGAGAAGCTGGATCATCTCCTCGG[T>C]AAGGCCAGGGCACAGTCCGACCCTGAGCACGCCCATGTTCCCCGCAGGCCGGAACAGCCC-3'
Protein context (NP_002869.3, residues 3-23): VLRVGLCPGL[Thr13Ala]EEMIQLLRSH

ClinVar aggregate classification (germline): Uncertain significance (1 of 4 stars; one submission).

Conditions:
Hereditary cancer-predisposing syndrome. Also called: Neoplastic Syndromes, Hereditary; Tumor predisposition; Hereditary Cancer Syndrome; Hereditary neoplastic syndrome. Identifiers: Orphanet 140162, MedGen C0027672, MeSH D009386, MONDO:0015356.

Allele frequency attached by ClinVar (database versions not stated): gnomAD exomes below 0.00001.
gnomAD v4.1: 1 of 1,612,684 alleles (0.000062%); highest among the groups gnomAD compares: Non-Finnish European, 0.000085%; no homozygotes.

Submission:

Ambry Genetics
Classification: Uncertain significance for Hereditary cancer-predisposing syndrome. Last evaluated: 2022-05-12. Review status: criteria provided, single submitter. Criteria: Ambry Variant Classification Scheme 2023. Collection method: clinical testing. Allele origin: germline.
Comment: The p.T13A variant (also known as c.37A>G), located in coding exon 1 of the RAD51D gene, results from an A to G substitution at nucleotide position 37. The threonine at codon 13 is replaced by alanine, an amino acid with similar properties. This amino acid position is conserved. In addition, this alteration is predicted to be tolerated by in silico analysis. Since supporting evidence is limited at this time, the clinical significance of this alteration remains unclear.